The following is an entry in ClinVar:

ClinVar aggregate classification (germline): Uncertain significance (1 of 4 stars; one submission).

Conditions:
MHC class I deficiency. Identifiers: Orphanet 34592, MedGen C6024714, MONDO:0011476.

Allele frequency attached by ClinVar (database versions not stated): gnomAD 0.00001; ExAC 0.00002; gnomAD exomes 0.00004 and 0.00002; TOPMed 0.00001.

Submission:

Labcorp Genetics (formerly Invitae), Labcorp
Classification: Uncertain significance for MHC class I deficiency 1. Last evaluated: 2026-01-26. Review status: criteria provided, single submitter. Criteria: Invitae Variant Classification Sherloc (09022015). Collection method: clinical testing. Allele origin: germline.
Comment: This sequence change replaces glycine, which is neutral and non-polar, with arginine, which is basic and polar, at codon 223 of the TAPBP protein (p.Gly223Arg). This variant is present in population databases (rs756314269, gnomAD 0.02%). This variant has not been reported in the literature in individuals affected with TAPBP-related conditions. ClinVar contains an entry for this variant (Variation ID: 847817). An algorithm developed to predict the effect of missense changes on protein structure and function (PolyPhen-2) suggests that this variant is likely to be disruptive. In summary, the available evidence is currently insufficient to determine the role of this variant in disease. Therefore, it has been classified as a Variant of Uncertain Significance.

NM_003190.5(TAPBP):c.667G>C (p.Gly223Arg)

Gene: TAPBP (TAP binding protein; minus strand). Cytogenetic location: 6p21.32.
Variant type: single nucleotide variant.
Coding change: c.667G>C on transcript NM_003190.5 (MANE Select); coding-DNA position 667, G replaced by C.
Protein change: p.Gly223Arg; replaces glycine 223 with arginine.
Molecular consequence: missense variant.
Genome position (GRCh38, 1-based): chr6:33,305,190, C>G on the plus strand (G>C on the coding strand, the complement: TAPBP is on the minus strand). VCF-style: chr6-33305190-C-G. GRCh37 (hg19) VCF-style: chr6-33272967-C-G.
Other names: c.667G>C, p.Gly223Arg (NM_172208.3); c.406G>C, p.Gly136Arg (NM_172209.3); short protein forms G223R, G136R.
Identifiers: ClinVar variation 847817 (VCV000847817.9), dbSNP rs756314269, ClinGen allele CA3755832.
Genomic context (GRCh38, chr6:33,305,190, plus strand): 5'-CATCCCAAGCAGCAAATGCCACGGCCCCTTCTTGGGCTGCTGGCATCTGGCCATTCAGCC[C>G]AGGAGTTGCAGCCAGGAGCAGATGTCCCTTACCCAGGTGCTGGCGTCGCCACTCTAGCCC-3'
Protein context (NP_003181.3, residues 213-233): KGHLLLAATP[Gly223Arg]LNGQMPAAQE